The following is an entry in ClinVar:

ClinVar aggregate classification (germline): Uncertain significance (1 of 4 stars; one submission).

Conditions:
Developmental and epileptic encephalopathy, 42 (DEE42A). Also called: Epileptic encephalopathy, early infantile, 42; DEVELOPMENTAL AND EPILEPTIC ENCEPHALOPATHY 42A; EPILEPTIC ENCEPHALOPATHY, EARLY INFANTILE, 42A. Identifiers: MedGen C4310716, MONDO:0014917, OMIM 617106.
Episodic ataxia type 2 (EA2). Also called: EPISODIC ATAXIA, NYSTAGMUS-ASSOCIATED; ACETAZOLAMIDE-RESPONSIVE HEREDITARY PAROXYSMAL CEREBELLAR ATAXIA; ATAXIA, EPISODIC, WITH NYSTAGMUS; ATAXIA, FAMILIAL PAROXYSMAL; CEREBELLAR ATAXIA, PAROXYSMAL, ACETAZOLAMIDE-RESPONSIVE; CEREBELLOPATHY, HEREDITARY PAROXYSMAL. Identifiers: Orphanet 97, MedGen C1720416, MONDO:0007163, OMIM 108500.

Submission:

Labcorp Genetics (formerly Invitae), Labcorp
Classification: Uncertain significance for Developmental and epileptic encephalopathy, 42; Episodic ataxia type 2. Last evaluated: 2022-07-12. Review status: criteria provided, single submitter. Criteria: Invitae Variant Classification Sherloc (09022015). Collection method: clinical testing. Allele origin: germline.
Comment: This sequence change falls in intron 39 of the CACNA1A gene. It does not directly change the encoded amino acid sequence of the CACNA1A protein. It affects a nucleotide within the consensus splice site. This variant is not present in population databases (gnomAD no frequency). This variant has not been reported in the literature in individuals affected with CACNA1A-related conditions. ClinVar contains an entry for this variant (Variation ID: 1390784). Variants that disrupt the consensus splice site are a relatively common cause of aberrant splicing (PMID: 17576681, 9536098). Algorithms developed to predict the effect of sequence changes on RNA splicing suggest that this variant is not likely to affect RNA splicing. In summary, the available evidence is currently insufficient to determine the role of this variant in disease. Therefore, it has been classified as a Variant of Uncertain Significance.

Literature cited by the submitters: PubMed 17576681; PubMed 9536098.

NM_001127222.2(CACNA1A):c.5839+6A>C

Gene: CACNA1A (calcium voltage-gated channel subunit alpha1 A; minus strand). Cytogenetic location: 19p13.13.
Variant type: single nucleotide variant.
Coding change: c.5839+6A>C on transcript NM_001127222.2 (MANE Select); 6 bases into the intron after coding-DNA position 5839, A replaced by C.
Molecular consequence: intron variant.
Genome position (GRCh38, 1-based): chr19:13,214,495, T>G on the plus strand (A>C on the coding strand, the complement: CACNA1A is on the minus strand). VCF-style: chr19-13214495-T-G. GRCh37 (hg19) VCF-style: chr19-13325309-T-G.
Other names: c.5842+6A>C (NM_001127221.2); c.5848+6A>C (NM_001174080.2); c.5857+6A>C (NM_000068.4, NM_023035.3).
Identifiers: ClinVar variation 1390784 (VCV001390784.6), dbSNP rs2144537255, ClinGen allele CA2573156025.
Genomic context (GRCh38, chr19:13,214,495, plus strand): 5'-CTCCCCTTTCCCTCCCCCTCCATCTGTCCTGGTGGATTGGATCCCAGGGCTGGGCTCAGC[T>G]CTTACACTTGTGAGGTGTGACCAGCAGGTCTAGCGTCTTCTGGGACAGATTGGGCCAAAT-3'